The following is an entry in ClinVar:

ClinVar aggregate classification (germline): other (0 of 4 stars; one submission).

Conditions:
Familial colorectal cancer. Identifiers: MedGen CN280943, MONDO:0023113. Disease mechanism: loss of function.

Submission:

Systems Biology Platform Zhejiang California International NanoSystems Institute
Classification: other for Familial colorectal cancer. Review status: no assertion criteria provided. Collection method: not provided. Allele origin: unknown.
ClinVar note: Converted during submission from cancer to other.

NC_000005.10:g.112849265A>C

Variant type: single nucleotide variant.
Genome position: GRCh38 VCF-style: chr5-112849265-A-C. GRCh37 (hg19) VCF-style: chr5-112184962-A-C.
Identifiers: ClinVar variation 82649 (VCV000082649.3), dbSNP rs74784138, ClinGen allele CA250789.